The following is an entry in ClinVar:

NM_001024845.3(SLC6A9):c.31-6217G>A

Gene: SLC6A9 (solute carrier family 6 member 9; minus strand). Cytogenetic location: 1p34.1.
Variant type: single nucleotide variant.
Coding change: c.31-6217G>A on transcript NM_001024845.3 (MANE Select); 6217 bases into the intron before coding-DNA position 31, G replaced by A.
Molecular consequence: intron variant. On other transcripts: missense variant (3), synonymous variant (2), non-coding transcript variant (1).
Genome position (GRCh38, 1-based): chr1:44,017,099, C>T on the plus strand (G>A on the coding strand, the complement: SLC6A9 is on the minus strand). VCF-style: chr1-44017099-C-T. GRCh37 (hg19) VCF-style: chr1-44482771-C-T.
Other names: c.35G>A, p.Arg12His (NM_001261380.2, NM_006934.4, NM_201649.4); c.72G>A, p.Ser24= (NM_001328627.1, NM_001328628.1); c.-15+7149G>A (NM_001328630.2, NM_001328626.2); c.31-6217G>A (NM_001328629.1); c.35G>A (NM_201649.2); short protein forms R12H.
Identifiers: ClinVar variation 1373596 (VCV001373596.6), dbSNP rs200633191, ClinGen allele CA817976.

ClinVar aggregate classification (germline): Conflicting classifications of pathogenicity. Review status: criteria provided, conflicting classifications (1 of 4 stars). 2 submissions from 2 submitters: Uncertain significance (1); Likely benign (1). Last evaluated 2025-01-10.

Conditions:
Atypical glycine encephalopathy. Also called: Glycine encephalopathy with normal serum glycine. Identifiers: Orphanet 289863, MedGen C4310943, MONDO:0015010, OMIM 617301.
Inborn genetic diseases. Identifiers: MedGen C0950123, MeSH D030342.

Allele frequency attached by ClinVar (database versions not stated): ESP Exome Variant Server 0.00008; ExAC 0.00009; gnomAD 0.00010; TOPMed 0.00015; 1000 Genomes Project 30x 0.00016; 1000 Genomes Project 0.00020.
gnomAD v4.1: 227 of 1,605,414 alleles (0.014%); highest among the groups gnomAD compares: East Asian, 0.034%; no homozygotes.

Submissions (2):

Labcorp Genetics (formerly Invitae), Labcorp
Classification: Uncertain significance for Atypical glycine encephalopathy. Last evaluated: 2025-01-10. Review status: criteria provided, single submitter. Criteria: Invitae Variant Classification Sherloc (09022015). Collection method: clinical testing. Allele origin: germline.
Comment: This sequence change replaces arginine, which is basic and polar, with histidine, which is basic and polar, at codon 12 of the SLC6A9 protein (p.Arg12His). This variant is present in population databases (rs200633191, gnomAD 0.02%). This variant has not been reported in the literature in individuals affected with SLC6A9-related conditions. ClinVar contains an entry for this variant (Variation ID: 1373596). An algorithm developed to predict the effect of missense changes on protein structure and function outputs the following: PolyPhen-2: "Benign". The histidine amino acid residue is found in multiple mammalian species, which suggests that this missense change does not adversely affect protein function. In summary, the available evidence is currently insufficient to determine the role of this variant in disease. Therefore, it has been classified as a Variant of Uncertain Significance.

Ambry Genetics
Classification: Likely benign for Inborn genetic diseases. Last evaluated: 2022-11-22. Review status: criteria provided, single submitter. Criteria: Ambry Variant Classification Scheme 2023. Collection method: clinical testing. Allele origin: germline.